The following is an entry in ClinVar:

NM_001267550.2(TTN):c.105881C>G (p.Ala35294Gly)

Genes: TTN (titin; minus strand), TTN-AS1 (TTN antisense RNA 1; plus strand), LOC129935183 (ATAC-STARR-seq lymphoblastoid active region 16808; plus strand). Cytogenetic location: 2q31.2.
Variant type: single nucleotide variant.
Coding change: c.105881C>G on transcript NM_001267550.2 (MANE Select); coding-DNA position 105881, C replaced by G.
Protein change: p.Ala35294Gly; replaces alanine 35294 with glycine.
Molecular consequence: missense variant.
Genome position (GRCh38, 1-based): chr2:178,530,734, G>C on the plus strand (C>G on the coding strand, the complement: TTN is on the minus strand). VCF-style: chr2-178530734-G-C. GRCh37 (hg19) VCF-style: chr2-179395461-G-C.
Other names: c.100958C>G, p.Ala33653Gly (NM_001256850.1); c.78686C>G, p.Ala26229Gly (NM_003319.4); c.98177C>G, p.Ala32726Gly (NM_133378.4); c.79061C>G, p.Ala26354Gly (NM_133432.3); c.79262C>G, p.Ala26421Gly (NM_133437.4); short protein forms A26229G, A26421G, A32726G, A26354G, A33653G, A35294G.
Identifiers: ClinVar variation 1394376 (VCV001394376.8), dbSNP rs569210689, ClinGen allele CA60953591.

ClinVar aggregate classification (germline): Conflicting classifications of pathogenicity. Review status: criteria provided, conflicting classifications (1 of 4 stars). 3 submissions from 3 submitters: Uncertain significance (2); Likely benign (1). Last evaluated 2026-02-02.

Conditions:
Dilated cardiomyopathy 1G (CMD1G). Identifiers: Orphanet 154, MedGen C1858763, MONDO:0011400, OMIM 604145.
Autosomal recessive limb-girdle muscular dystrophy type 2J (LGMDR10). Also called: Limb-girdle muscular dystrophy, type 2J; MUSCULAR DYSTROPHY, LIMB-GIRDLE, AUTOSOMAL RECESSIVE 10. Identifiers: Orphanet 140922, MedGen C1837342, MONDO:0012127, OMIM 608807.

Allele frequency attached by ClinVar (database versions not stated): TOPMed 0.00001.
gnomAD v4.1: 5 of 1,613,906 alleles (0.00031%); highest among the groups gnomAD compares: Non-Finnish European, 0.00025%; no homozygotes.

Submissions (3):

Women's Health and Genetics/Laboratory Corporation of America, LabCorp
Classification: Uncertain significance. Last evaluated: 2026-02-02. Review status: criteria provided, single submitter. Criteria: LabCorp Variant Classification Summary - May 2015. Collection method: clinical testing. Allele origin: germline.

Labcorp Genetics (formerly Invitae), Labcorp
Classification: Uncertain significance for Dilated cardiomyopathy 1G; Autosomal recessive limb-girdle muscular dystrophy type 2J. Last evaluated: 2024-11-10. Review status: criteria provided, single submitter. Criteria: Invitae Variant Classification Sherloc (09022015). Collection method: clinical testing. Allele origin: germline.
Comment: This sequence change replaces alanine, which is neutral and non-polar, with glycine, which is neutral and non-polar, at codon 35294 of the TTN protein (p.Ala35294Gly). This variant is not present in population databases (gnomAD no frequency). This variant has not been reported in the literature in individuals affected with TTN-related conditions. ClinVar contains an entry for this variant (Variation ID: 1394376). Experimental studies and prediction algorithms are not available or were not evaluated, and the functional significance of this variant is currently unknown. This variant is located in the M band of TTN (PMID: 25589632). Non-truncating variants in this region may be relevant for neuromuscular disorders, but have not been definitively shown to cause cardiomyopathy (PMID: 23975875). In summary, the available evidence is currently insufficient to determine the role of this variant in disease. Therefore, it has been classified as a Variant of Uncertain Significance.

Blueprint Genetics
Classification: Likely benign. Last evaluated: 2023-06-19. Review status: criteria provided, single submitter. Criteria: ACMG Guidelines, 2015. Collection method: clinical testing. Allele origin: germline.

Literature cited by the submitters: PubMed 25589632 (cited by Labcorp Genetics (formerly Invitae), Labcorp); PubMed 23975875 (cited by Labcorp Genetics (formerly Invitae), Labcorp).